The following is an entry in ClinVar:

ClinVar aggregate classification (germline): Likely benign (1 of 4 stars; one submission).

Conditions:
PLXNA3-related disorder. Also called: PLXNA3-related condition.

Submission:

PreventionGenetics, part of Exact Sciences
Classification: Likely benign for PLXNA3-related condition. Last evaluated: 2025-05-29. Review status: criteria provided, single submitter. Criteria: ACMG Guidelines, 2015. Collection method: clinical testing. Allele origin: germline.
Comment: This variant is classified as likely benign based on ACMG/AMP sequence variant interpretation guidelines (Richards et al. 2015 PMID: 25741868, with internal and published modifications).

NM_017514.5(PLXNA3):c.2121G>A (p.Lys707=)

Gene: PLXNA3 (plexin A3; plus strand). Cytogenetic location: Xq28.
Variant type: single nucleotide variant.
Coding change: c.2121G>A on transcript NM_017514.5 (MANE Select); coding-DNA position 2121, G replaced by A.
Protein change: p.Lys707=; no amino-acid change (lysine 707 retained).
Molecular consequence: synonymous variant.
Genome position (GRCh38, 1-based): chrX:154,465,095, G>A. VCF-style: chrX-154465095-G-A. GRCh37 (hg19) VCF-style: chrX-153693438-G-A.
Identifiers: ClinVar variation 4985306 (VCV004985306.1).